The following is an entry in ClinVar:

NM_004415.4(DSP):c.72G>A (p.Pro24=)

Genes: DSP (desmoplakin; plus strand), DSP-AS1 (DSP antisense RNA 1; minus strand). Cytogenetic location: 6p24.3.
Variant type: single nucleotide variant.
Coding change: c.72G>A on transcript NM_004415.4 (MANE Select); coding-DNA position 72, G replaced by A.
Protein change: p.Pro24=; no amino-acid change (proline 24 retained).
Molecular consequence: synonymous variant.
Genome position (GRCh38, 1-based): chr6:7,541,987, G>A. VCF-style: chr6-7541987-G-A. GRCh37 (hg19) VCF-style: chr6-7542220-G-A.
Other names: c.72G>A, p.Pro24= (NM_001008844.3, NM_001319034.2).
Identifiers: ClinVar variation 1632338 (VCV001632338.9), dbSNP rs780463807, ClinGen allele CA049671.
Genomic context (GRCh38, chr6:7,541,987, plus strand): 5'-CGGAGGCTCCCACCCGCGGATCAACACTCTGGGCCGCATGATCCGCGCCGAGTCTGGCCC[G>A]GACCTGCGCTACGAGGTGACCAGCGGCGGCGGGGGCACCAGCAGGATGTACTATTCTCGG-3'
Protein context (NP_004406.2, residues 14-34): LGRMIRAESG[Pro24=]DLRYEVTSGG

ClinVar aggregate classification (germline): Likely benign. Review status: criteria provided, multiple submitters, no conflicts (2 of 4 stars). 2 submissions from 2 submitters: Likely benign (2). Last evaluated 2025-07-27.

Conditions:
Arrhythmogenic cardiomyopathy with wooly hair and keratoderma. Also called: Dilated cardiomyopathy with woolly hair and keratoderma; Arrhythmogenic cardiomyopathy with woolly hair and keratoderma; Carvajal syndrome; PALMOPLANTAR KERATODERMA WITH LEFT VENTRICULAR CARDIOMYOPATHY AND WOOLLY HAIR. Identifiers: Orphanet 65282, MedGen C1854063, MONDO:0011581, OMIM 605676.
Arrhythmogenic right ventricular dysplasia 8 (ARVD8). Also called: Arrhythmogenic Right Ventricular Dysplasia/Cardiomyopathy 8; ARRHYTHMOGENIC RIGHT VENTRICULAR DYSPLASIA, FAMILIAL, 8; ARRHYTHMOGENIC RIGHT VENTRICULAR CARDIOMYOPATHY 8. Identifiers: MedGen C1843896, MONDO:0011831, OMIM 607450.

Allele frequency attached by ClinVar (database versions not stated): gnomAD exomes below 0.00001 and 0.00002; TOPMed below 0.00001; ExAC 0.00005.
gnomAD v4.1: 6 of 1,602,318 alleles (0.00037%); highest among the groups gnomAD compares: Admixed American, 0.0051%; no homozygotes.

Submissions (2):

Labcorp Genetics (formerly Invitae), Labcorp
Classification: Likely benign for Arrhythmogenic cardiomyopathy with wooly hair and keratoderma; Arrhythmogenic right ventricular dysplasia 8. Last evaluated: 2025-07-27. Review status: criteria provided, single submitter. Criteria: Invitae Variant Classification Sherloc (09022015). Collection method: clinical testing. Allele origin: germline.

All of Us Research Program, National Institutes of Health
Classification: Likely benign for Arrhythmogenic cardiomyopathy with wooly hair and keratoderma. Last evaluated: 2024-02-05. Review status: criteria provided, single submitter. Criteria: ACMG Guidelines, 2015. Collection method: clinical testing. Allele origin: germline. Inheritance: Autosomal dominant inheritance. Observed: 1 variant allele, 1 heterozygote.
Comment: This study involves interpretation of variants in research participants for the purpose of population health screening. Participant phenotype was not available at the time of variant classification. Additional details can be found in publication PMID: 35346344, PMCID: PMC8962531